The following is an entry in ClinVar:

NM_024537.4(CARS2):c.1194-3C>T

Gene: CARS2 (cysteinyl-tRNA synthetase 2, mitochondrial; minus strand). Cytogenetic location: 13q34.
Variant type: single nucleotide variant.
Coding change: c.1194-3C>T on transcript NM_024537.4 (MANE Select); 3 bases into the intron before coding-DNA position 1194, C replaced by T.
Molecular consequence: intron variant.
Genome position (GRCh38, 1-based): chr13:110,646,093, G>A on the plus strand (C>T on the coding strand, the complement: CARS2 is on the minus strand). VCF-style: chr13-110646093-G-A. GRCh37 (hg19) VCF-style: chr13-111298440-G-A.
Other names: c.408-3C>T (NM_001352252.2).
Identifiers: ClinVar variation 964403 (VCV000964403.9), dbSNP rs372760421, ClinGen allele CA7051865.

ClinVar aggregate classification (germline): Uncertain significance. Review status: criteria provided, single submitter (1 of 4 stars). 2 submissions from 2 submitters: Uncertain significance (1). 1 of the submissions does not count toward it. Last evaluated 2022-08-09.

Conditions:
CARS2-related disorder. Also called: CARS2-related condition.
Combined oxidative phosphorylation defect type 27. Also called: Combined oxidative phosphorylation deficiency 27. Identifiers: Orphanet 477774, MedGen C5567608, MONDO:0014728, OMIM 616672.

Allele frequency attached by ClinVar (database versions not stated): gnomAD 0.00004 and 0.00005; TOPMed 0.00005; ExAC 0.00002; gnomAD exomes 0.00003 and 0.00002; ESP Exome Variant Server 0.00008.
gnomAD v4.1: 58 of 1,612,370 alleles (0.0036%); highest among the groups gnomAD compares: Non-Finnish European, 0.0043%; no homozygotes.

Submissions (3):

Labcorp Genetics (formerly Invitae), Labcorp
Classification: Uncertain significance for Combined oxidative phosphorylation defect type 27. Last evaluated: 2022-08-09. Review status: criteria provided, single submitter. Criteria: Invitae Variant Classification Sherloc (09022015). Collection method: clinical testing. Allele origin: germline.
Comment: This sequence change falls in intron 11 of the CARS2 gene. It does not directly change the encoded amino acid sequence of the CARS2 protein. It affects a nucleotide within the consensus splice site. This variant is present in population databases (rs372760421, gnomAD 0.006%). This variant has not been reported in the literature in individuals affected with CARS2-related conditions. ClinVar contains an entry for this variant (Variation ID: 964403). Variants that disrupt the consensus splice site are a relatively common cause of aberrant splicing (PMID: 17576681, 9536098). Algorithms developed to predict the effect of sequence changes on RNA splicing suggest that this variant is not likely to affect RNA splicing. In summary, the available evidence is currently insufficient to determine the role of this variant in disease. Therefore, it has been classified as a Variant of Uncertain Significance.

PreventionGenetics, part of Exact Sciences
Classification: Likely benign for CARS2-related condition. Last evaluated: 2019-04-26. Review status: no assertion criteria provided. Collection method: clinical testing. Allele origin: germline. Not counted in ClinVar's aggregate classification.
Comment: This variant is classified as likely benign based on ACMG/AMP sequence variant interpretation guidelines (Richards et al. 2015 PMID: 25741868, with internal and published modifications).

Dr. Peter K. Rogan Lab, Western University
No classification provided (evidence only). Condition: Lung cancer. Review status: no classification provided. Collection method: in vitro. Allele origin: not applicable. Functional consequence: retained intron. Not counted in ClinVar's aggregate classification.

Literature cited by the submitters: PubMed 17576681 (cited by Labcorp Genetics (formerly Invitae), Labcorp); PubMed 9536098 (cited by Labcorp Genetics (formerly Invitae), Labcorp).